The following is an entry in ClinVar:

NM_144997.7(FLCN):c.404C>T (p.Pro135Leu)

Gene: FLCN (folliculin; minus strand). Cytogenetic location: 17p11.2.
Variant type: single nucleotide variant.
Coding change: c.404C>T on transcript NM_144997.7 (MANE Select); coding-DNA position 404, C replaced by T.
Protein change: p.Pro135Leu; replaces proline 135 with leucine.
Molecular consequence: missense variant.
Genome position (GRCh38, 1-based): chr17:17,224,136, G>A on the plus strand (C>T on the coding strand, the complement: FLCN is on the minus strand). VCF-style: chr17-17224136-G-A. GRCh37 (hg19) VCF-style: chr17-17127450-G-A.
Other names: c.404C>T, p.Pro135Leu (NM_144606.7, NM_001353230.2, NM_001353231.2); c.404C>T (NM_144997.5); c.458C>T, p.Pro153Leu (NM_001353229.2); short protein forms P135L, P153L.
Identifiers: ClinVar variation 1430030 (VCV001430030.10), dbSNP rs1490236729, ClinGen allele CA398534638.

ClinVar aggregate classification (germline): Uncertain significance. Review status: criteria provided, multiple submitters, no conflicts (2 of 4 stars). 2 submissions from 2 submitters: Uncertain significance (2). Last evaluated 2025-06-18.

Conditions:
Hereditary cancer-predisposing syndrome. Also called: Hereditary neoplastic syndrome; Tumor predisposition; Hereditary Cancer Syndrome; Neoplastic Syndromes, Hereditary. Identifiers: Orphanet 140162, MedGen C0027672, MeSH D009386, MONDO:0015356.
Birt-Hogg-Dube syndrome. Also called: Birt Hogg Dubé syndrome. Identifiers: Orphanet 122, MedGen C0346010, MONDO:0800444.

gnomAD v4.1: 14 of 1,586,462 alleles (0.00088%); highest among the groups gnomAD compares: South Asian, 0.0068%; no homozygotes.

Submissions (2):

Labcorp Genetics (formerly Invitae), Labcorp
Classification: Uncertain significance for Birt-Hogg-Dube syndrome. Last evaluated: 2025-06-18. Review status: criteria provided, single submitter. Criteria: Invitae Variant Classification Sherloc (09022015). Collection method: clinical testing. Allele origin: germline.
Comment: This sequence change replaces proline, which is neutral and non-polar, with leucine, which is neutral and non-polar, at codon 135 of the FLCN protein (p.Pro135Leu). This variant is not present in population databases (gnomAD no frequency). This variant has not been reported in the literature in individuals affected with FLCN-related conditions. ClinVar contains an entry for this variant (Variation ID: 1430030). Invitae Evidence Modeling of protein sequence and biophysical properties (such as structural, functional, and spatial information, amino acid conservation, physicochemical variation, residue mobility, and thermodynamic stability) indicates that this missense variant is expected to disrupt FLCN protein function with a positive predictive value of 80%. In summary, the available evidence is currently insufficient to determine the role of this variant in disease. Therefore, it has been classified as a Variant of Uncertain Significance.

Ambry Genetics
Classification: Uncertain significance for Hereditary cancer-predisposing syndrome. Last evaluated: 2025-03-22. Review status: criteria provided, single submitter. Criteria: Ambry Variant Classification Scheme 2023. Collection method: clinical testing. Allele origin: germline.
Comment: The p.P135L variant (also known as c.404C>T), located in coding exon 3 of the FLCN gene, results from a C to T substitution at nucleotide position 404. The proline at codon 135 is replaced by leucine, an amino acid with similar properties. This amino acid position is conserved. In addition, this alteration is predicted to be deleterious by in silico analysis. Since supporting evidence is limited at this time, the clinical significance of this alteration remains unclear.